The following is an entry in ClinVar:

ClinVar aggregate classification (germline): Likely benign. Review status: criteria provided, multiple submitters, no conflicts (2 of 4 stars). 2 submissions from 2 submitters: Likely benign (2). Last evaluated 2025-06-04.

Conditions:
Malignant hyperthermia, susceptibility to, 1 (MHS1). Also called: Anesthesia related hyperthermia; Malignant hyperpyrexia; Fulminating hyperpyrexia; Pharmacogenic myopathy; RYR1-Related Malignant Hyperthermia Susceptibility; Malignant hyperthermia suceptibility 1. Identifiers: Orphanet 423, MedGen C2930980, MONDO:0007783, OMIM 145600.
RYR1-related disorder. Also called: RYR1-related condition; RYR1-related disorders. Identifiers: MedGen CN239331.

Allele frequency attached by ClinVar (database versions not stated): gnomAD exomes below 0.00001; gnomAD 0.00001; TOPMed 0.00002.
gnomAD v4.1: 5 of 1,602,016 alleles (0.00031%); highest among the groups gnomAD compares: African/African-American, 0.0067%; no homozygotes.

Submissions (2):

Labcorp Genetics (formerly Invitae), Labcorp
Classification: Likely benign for RYR1-related disorder. Last evaluated: 2025-06-04. Review status: criteria provided, single submitter. Criteria: Invitae Variant Classification Sherloc (09022015). Collection method: clinical testing. Allele origin: germline.

All of Us Research Program, National Institutes of Health
Classification: Likely benign for Malignant hyperthermia, susceptibility to, 1. Last evaluated: 2023-08-28. Review status: criteria provided, single submitter. Criteria: ACMG Guidelines, 2015. Collection method: clinical testing. Allele origin: germline. Inheritance: Autosomal dominant inheritance. Observed: 1 variant allele, 1 heterozygote.
Comment: This study involves interpretation of variants in research participants for the purpose of population health screening. Participant phenotype was not available at the time of variant classification. Additional details can be found in publication PMID: 35346344, PMCID: PMC8962531

NM_000540.3(RYR1):c.7146G>A (p.Glu2382=)

Gene: RYR1 (ryanodine receptor 1; plus strand). Cytogenetic location: 19q13.2.
Variant type: single nucleotide variant.
Coding change: c.7146G>A on transcript NM_000540.3 (MANE Select); coding-DNA position 7146, G replaced by A.
Protein change: p.Glu2382=; no amino-acid change (glutamic acid 2382 retained).
Molecular consequence: synonymous variant.
Genome position (GRCh38, 1-based): chr19:38,499,753, G>A. VCF-style: chr19-38499753-G-A. GRCh37 (hg19) VCF-style: chr19-38990393-G-A.
Other names: c.7146G>A, p.Glu2382= (NM_001042723.2).
Identifiers: ClinVar variation 1141893 (VCV001141893.10), dbSNP rs1279071032, ClinGen allele CA507353892.
Genomic context (GRCh38, chr19:38,499,753, plus strand): 5'-GTGCTTCGGACCCGCCCTGCGGGGTGAGGGTGGCTCAGGGCTGCTGGCTGCCATCGAAGA[G>A]GCCATCCGCATCTCCGAGGACCCTGCGAGGGATGGCCCAGGCATCCGCAGGGACCGGCGG-3'
Protein context (NP_000531.2, residues 2372-2392): GGSGLLAAIE[Glu2382=]AIRISEDPAR